The following is an entry in ClinVar:

NM_001130823.3(DNMT1):c.1619A>G (p.Tyr540Cys)

Genes: DNMT1 (DNA methyltransferase 1; minus strand), SHFL (shiftless antiviral inhibitor of ribosomal frameshifting; plus strand). Cytogenetic location: 19p13.2.
Variant type: single nucleotide variant.
Coding change: c.1619A>G on transcript NM_001130823.3 (MANE Select); coding-DNA position 1619, A replaced by G.
Protein change: p.Tyr540Cys; replaces tyrosine 540 with cysteine.
Molecular consequence: missense variant.
Genome position (GRCh38, 1-based): chr19:10,154,930, T>C on the plus strand (A>G on the coding strand, the complement: DNMT1 is on the minus strand). VCF-style: chr19-10154930-T-C. GRCh37 (hg19) VCF-style: chr19-10265606-T-C.
Other names: c.1571A>G, p.Tyr524Cys (NM_001318730.2, NM_001379.4); c.1256A>G, p.Tyr419Cys (NM_001318731.2); short protein forms Y540C, Y419C, Y524C.
Identifiers: ClinVar variation 801418 (VCV000801418.4), dbSNP rs1599366421, ClinGen allele CA403935776.

ClinVar aggregate classification (germline): Uncertain significance. Review status: criteria provided, multiple submitters, no conflicts (2 of 4 stars). 3 submissions from 3 submitters: Uncertain significance (2). 1 of the submissions does not count toward it. Last evaluated 2025-11-27.

Conditions:
Hereditary sensory neuropathy-deafness-dementia syndrome. Also called: Hereditary Sensory and Autonomic Neuropathy Type 1E (HSAN1E); HSN IE; Hereditary sensory neuropathy type IE; NEUROPATHY, HEREDITARY SENSORY, WITH HEARING LOSS AND DEMENTIA. Identifiers: Orphanet 456318, MedGen C3279885, MONDO:0013584, OMIM 614116.

Submissions (3):

Mendelics
Classification: Uncertain significance for Hereditary sensory neuropathy-deafness-dementia syndrome. Last evaluated: 2025-11-27. Review status: criteria provided, single submitter. Criteria: Mendelics Assertion Criteria 2017. Collection method: clinical testing. Allele origin: unknown.
Comment: Variant NM_001130823.3(DNMT1):c.1619A>G (p.Tyr540Cys) has no frequency in GnomAD V4.1.0. In-silico prediction points to likely pathogenic. Without functional studies associated (PM2 + PP3 = VUS).

Revvity Omics, Revvity
Classification: Uncertain significance. Last evaluated: 2025-02-27. Review status: criteria provided, single submitter. Criteria: ACMG Guidelines, 2015. Collection method: clinical testing. Allele origin: germline.

Department of Neurology and Geriatrics, Kagoshima University Graduate School of Medical and Dental Sciences
Classification: Pathogenic for Hereditary sensory neuropathy-deafness-dementia syndrome. Last evaluated: 2021-11-16. Review status: no assertion criteria provided. Collection method: research. Allele origin: germline. Affected: yes. Not counted in ClinVar's aggregate classification.